The following is an entry in ClinVar:

NM_001384140.1(PCDH15):c.4343A>C (p.Tyr1448Ser)

Gene: PCDH15 (protocadherin related 15; minus strand). Cytogenetic location: 10q21.1.
Variant type: single nucleotide variant.
Coding change: c.4343A>C on transcript NM_001384140.1 (MANE Select); coding-DNA position 4343, A replaced by C.
Protein change: p.Tyr1448Ser; replaces tyrosine 1448 with serine.
Molecular consequence: missense variant.
Genome position (GRCh38, 1-based): chr10:53,827,417, T>G on the plus strand (A>C on the coding strand, the complement: PCDH15 is on the minus strand). VCF-style: chr10-53827417-T-G. GRCh37 (hg19) VCF-style: chr10-55587177-T-G.
Other names: c.4358A>C, p.Tyr1453Ser (NM_001142763.2, NM_001142771.2); c.4343A>C, p.Tyr1448Ser (NM_001142764.2, NM_001142770.3, NM_001142772.2 and 3 more transcripts); c.4130A>C, p.Tyr1377Ser (NM_001142765.2); c.4334A>C, p.Tyr1445Ser (NM_001142766.2); c.4223A>C, p.Tyr1408Ser (NM_001142767.2); c.4277A>C, p.Tyr1426Ser (NM_001142768.2, NM_001354404.2); c.4379A>C, p.Tyr1460Ser (NM_001142769.4); c.4268A>C, p.Tyr1423Ser (NM_001142773.2); and 1 more; short protein forms Y1377S, Y1426S, Y1455S, Y1408S, Y1445S, Y1448S, Y1453S, Y1460S.
Identifiers: ClinVar variation 1494532 (VCV001494532.7), dbSNP rs397517459, ClinGen allele CA376527606.
Genomic context (GRCh38, chr10:53,827,417, plus strand): 5'-CAACTACTTCTCAGAGTTCCTGAACGGTCTACTTACATTGAGCTGTCTCCAAGTTCTTCA[T>G]AGAGATGCGCACCTGGCGGAGGCGGCGGCGGCGGCGGGGGCGCTGCCACTGGTGCAGGAG-3'
Protein context (NP_001371069.1, residues 1438-1458): PPPPPPGAHL[Tyr1448Ser]EELGDSSIWS

ClinVar aggregate classification (germline): Uncertain significance. Review status: criteria provided, multiple submitters, no conflicts (2 of 4 stars). 4 submissions from 4 submitters: Uncertain significance (4). Last evaluated 2026-02-18.

Conditions:
Inborn genetic diseases. Identifiers: MedGen C0950123, MeSH D030342.

gnomAD v4.1: 7 of 1,612,882 alleles (0.00043%); highest among the groups gnomAD compares: African/African-American, 0.0067%; no homozygotes.

Submissions (4):

GeneDx
Classification: Uncertain significance. Last evaluated: 2026-02-18. Review status: criteria provided, single submitter. Criteria: GeneDx Variant Classification Process June 2021. Collection method: clinical testing. Allele origin: germline.
Comment: Not observed at significant frequency in large population cohorts (gnomAD); In silico analysis supports that this missense variant has a deleterious effect on protein structure/function; Has not been previously published as pathogenic or benign to our knowledge

Ambry Genetics
Classification: Uncertain significance for Inborn genetic diseases. Last evaluated: 2025-01-03. Review status: criteria provided, single submitter. Criteria: Ambry Variant Classification Scheme 2023. Collection method: clinical testing. Allele origin: germline.

Women's Health and Genetics/Laboratory Corporation of America, LabCorp
Classification: Uncertain significance. Last evaluated: 2022-06-17. Review status: criteria provided, single submitter. Criteria: LabCorp Variant Classification Summary - May 2015. Collection method: clinical testing. Allele origin: germline.
Comment: Variant summary: PCDH15 c.4343A>C (p.Tyr1448Ser) results in a non-conservative amino acid change in the encoded protein sequence. Three of five in-silico tools predict a benign effect of the variant on protein function. The variant allele was found at a frequency of 4e-06 in 248144 control chromosomes (gnomAD). The available data on variant occurrences in the general population are insufficient to allow any conclusion about variant significance. To our knowledge, no occurrence of c.4343A>C in individuals affected with Usher Syndrome Type 1F and no experimental evidence demonstrating its impact on protein function have been reported. One ClinVar submitter has assessed the variant since 2014: the variant was classified as of uncertain significance. Based on the evidence outlined above, the variant was classified as uncertain significance.

Labcorp Genetics (formerly Invitae), Labcorp
Classification: Uncertain significance. Last evaluated: 2021-09-17. Review status: criteria provided, single submitter. Criteria: Invitae Variant Classification Sherloc (09022015). Collection method: clinical testing. Allele origin: germline.
Comment: This sequence change replaces tyrosine with serine at codon 1448 of the PCDH15 protein (p.Tyr1448Ser). The tyrosine residue is highly conserved and there is a large physicochemical difference between tyrosine and serine. This variant is not present in population databases (ExAC no frequency). This variant has not been reported in the literature in individuals affected with PCDH15-related conditions. Algorithms developed to predict the effect of missense changes on protein structure and function are either unavailable or do not agree on the potential impact of this missense change (SIFT: "Tolerated"; PolyPhen-2: "Probably Damaging"; Align-GVGD: "Class C0"). In summary, the available evidence is currently insufficient to determine the role of this variant in disease. Therefore, it has been classified as a Variant of Uncertain Significance.